The following is an entry in ClinVar:

NM_000383.4(AIRE):c.185T>G (p.Leu62Arg)

Gene: AIRE (autoimmune regulator; plus strand). Cytogenetic location: 21q22.3.
Variant type: single nucleotide variant.
Coding change: c.185T>G on transcript NM_000383.4 (MANE Select); coding-DNA position 185, T replaced by G.
Protein change: p.Leu62Arg; replaces leucine 62 with arginine.
Molecular consequence: missense variant.
Genome position (GRCh38, 1-based): chr21:44,286,609, T>G. VCF-style: chr21-44286609-T-G. GRCh37 (hg19) VCF-style: chr21-45706492-T-G.
Other names: short protein forms L62R.
Identifiers: ClinVar variation 4798647 (VCV004798647.1).
Genomic context (GRCh38, chr21:44,286,609, plus strand): 5'-CACTGCAGGAGACGCTTCATCTGAAGGAAAAGGAGGGCTGCCCCCAGGCCTTCCACGCCC[T>G]CCTGTCCTGGCTGCTGACCCAGGACTCCACAGCCATCCTGGACTTCTGGAGGGTGCTGTT-3'
Protein context (NP_000374.1, residues 52-72): KEGCPQAFHA[Leu62Arg]LSWLLTQDST

ClinVar aggregate classification (germline): Uncertain significance (1 of 4 stars; one submission).

Conditions:
Polyglandular autoimmune syndrome, type 1 (APS1). Also called: AUTOIMMUNE POLYENDOCRINE SYNDROME, TYPE I, WITH OR WITHOUT REVERSIBLE METAPHYSEAL DYSPLASIA; APS I; Autoimmune polyendocrinopathy syndrome, type I; HYPOADRENOCORTICISM WITH HYPOPARATHYROIDISM AND SUPERFICIAL MONILIASIS; PGA I; Autoimmune polyendocrine syndrome type 1. Identifiers: Orphanet 3453, MedGen C0085859, MONDO:0009411, OMIM 240300.

Submission:

Labcorp Genetics (formerly Invitae), Labcorp
Classification: Uncertain significance for Polyglandular autoimmune syndrome, type 1. Last evaluated: 2025-03-14. Review status: criteria provided, single submitter. Criteria: Invitae Variant Classification Sherloc (09022015). Collection method: clinical testing. Allele origin: germline.
Comment: This sequence change replaces leucine, which is neutral and non-polar, with arginine, which is basic and polar, at codon 62 of the AIRE protein (p.Leu62Arg). This variant is not present in population databases (gnomAD no frequency). This variant has not been reported in the literature in individuals affected with AIRE-related conditions. Invitae Evidence Modeling of protein sequence and biophysical properties (such as structural, functional, and spatial information, amino acid conservation, physicochemical variation, residue mobility, and thermodynamic stability) indicates that this missense variant is expected to disrupt AIRE protein function with a positive predictive value of 95%. In summary, the available evidence is currently insufficient to determine the role of this variant in disease. Therefore, it has been classified as a Variant of Uncertain Significance.